The following is an entry in ClinVar:

ClinVar aggregate classification (germline): Benign. Review status: criteria provided, multiple submitters, no conflicts (2 of 4 stars). 2 submissions from 2 submitters: Benign (2). Last evaluated 2026-01-28.

Conditions:
Autosomal recessive limb-girdle muscular dystrophy type 2U. Also called: Muscular dystrophy-dystroglycanopathy (limb-girdle), type c, 7; MUSCULAR DYSTROPHY, LIMB-GIRDLE, TYPE 2U. Identifiers: Orphanet 352479, MedGen C5190987, MONDO:0014474, OMIM 616052.
Muscular dystrophy-dystroglycanopathy (congenital with brain and eye anomalies), type A, 7. Also called: WALKER-WARBURG SYNDROME OR MUSCLE-EYE-BRAIN DISEASE, ISPD-RELATED; Congenital muscular dystrophy-dystroglycanopathy with brain and eye anomalies, type A7. Identifiers: Orphanet 899, MedGen C3553330, MONDO:0013835, OMIM 614643.

Allele frequency attached by ClinVar (database versions not stated): gnomAD exomes 0.00032 and 0.00093; ExAC 0.00126; 1000 Genomes Project 0.00260; 1000 Genomes Project 30x 0.00265; gnomAD 0.00306 and 0.00339; ESP Exome Variant Server 0.00367; TOPMed 0.00379.
gnomAD v4.1: 938 of 1,560,522 alleles (0.06%); highest among the groups gnomAD compares: African/African-American, 1.2%; 8 homozygotes.

Submissions (2):

Labcorp Genetics (formerly Invitae), Labcorp
Classification: Benign for Muscular dystrophy-dystroglycanopathy (congenital with brain and eye anomalies), type A, 7; Autosomal recessive limb-girdle muscular dystrophy type 2U. Last evaluated: 2026-01-28. Review status: criteria provided, single submitter. Criteria: Invitae Variant Classification Sherloc (09022015). Collection method: clinical testing. Allele origin: germline.

GeneDx
Classification: Benign. Last evaluated: 2016-11-15. Review status: criteria provided, single submitter. Criteria: GeneDx Variant Classification (06012015). Collection method: clinical testing. Allele origin: germline. Affected: yes.
Comment: This variant is considered likely benign or benign based on one or more of the following criteria: it is a conservative change, it occurs at a poorly conserved position in the protein, it is predicted to be benign by multiple in silico algorithms, and/or has population frequency not consistent with disease.

NM_001101426.4(CRPPA):c.1251+18C>T

Genes: CRPPA (CDP-L-ribitol pyrophosphorylase A; minus strand), CRPPA-AS1 (CRPPA antisense RNA 1; plus strand). Cytogenetic location: 7p21.2.
Variant type: single nucleotide variant.
Coding change: c.1251+18C>T on transcript NM_001101426.4 (MANE Select); 18 bases into the intron after coding-DNA position 1251, C replaced by T.
Molecular consequence: intron variant.
Genome position (GRCh38, 1-based): chr7:16,216,048, G>A on the plus strand (C>T on the coding strand, the complement: CRPPA is on the minus strand). VCF-style: chr7-16216048-G-A. GRCh37 (hg19) VCF-style: chr7-16255673-G-A.
Other names: c.1101+18C>T (NM_001101417.4); c.1146+18C>T (NM_001368197.1).
Identifiers: ClinVar variation 385910 (VCV000385910.11), dbSNP rs201599524, ClinGen allele CA4169343.